The following is an entry in ClinVar:

ClinVar aggregate classification (germline): Uncertain significance. Review status: criteria provided, multiple submitters, no conflicts (2 of 4 stars). 2 submissions from 2 submitters: Uncertain significance (2). Last evaluated 2025-05-09.

Conditions:
Nemaline myopathy 2 (NEM2). Also called: Nemaline myopathy 2, autosomal recessive. Identifiers: MedGen C1850569, MONDO:0009725, OMIM 256030.

Allele frequency attached by ClinVar (database versions not stated): TOPMed 0.00001.
gnomAD v4.1: 8 of 1,605,224 alleles (0.0005%); highest among the groups gnomAD compares: Non-Finnish European, 0.00068%; no homozygotes.

Submissions (2):

Athena Diagnostics
Classification: Uncertain significance. Last evaluated: 2025-05-09. Review status: criteria provided, single submitter. Criteria: Athena Diagnostics Criteria. Collection method: clinical testing. Allele origin: unknown.
Comment: Available data are insufficient to determine the clinical significance of the variant at this time. The frequency of this variant in the general population is uninformative in assessment of its pathogenicity. Computational tools disagree on the variant's effect on normal protein function.

Labcorp Genetics (formerly Invitae), Labcorp
Classification: Uncertain significance for Nemaline myopathy 2. Last evaluated: 2023-01-27. Review status: criteria provided, single submitter. Criteria: Invitae Variant Classification Sherloc (09022015). Collection method: clinical testing. Allele origin: germline.
Comment: This variant is present in population databases (no rsID available, gnomAD 0.0009%). This sequence change replaces methionine, which is neutral and non-polar, with isoleucine, which is neutral and non-polar, at codon 3473 of the NEB protein (p.Met3473Ile). This variant has not been reported in the literature in individuals affected with NEB-related conditions. In summary, the available evidence is currently insufficient to determine the role of this variant in disease. Therefore, it has been classified as a Variant of Uncertain Significance. Algorithms developed to predict the effect of missense changes on protein structure and function are either unavailable or do not agree on the potential impact of this missense change (SIFT: "Deleterious"; PolyPhen-2: "Not Available"; Align-GVGD: "Class C0"). ClinVar contains an entry for this variant (Variation ID: 957594).

NM_001164508.2(NEB):c.10419G>T (p.Met3473Ile)

Gene: NEB (nebulin; minus strand). Cytogenetic location: 2q23.3.
Variant type: single nucleotide variant.
Coding change: c.10419G>T on transcript NM_001164508.2 (MANE Select); coding-DNA position 10419, G replaced by T.
Protein change: p.Met3473Ile; replaces methionine 3473 with isoleucine.
Molecular consequence: missense variant.
Genome position (GRCh38, 1-based): chr2:151,625,567, C>A on the plus strand (G>T on the coding strand, the complement: NEB is on the minus strand). VCF-style: chr2-151625567-C-A. GRCh37 (hg19) VCF-style: chr2-152482081-C-A.
Other names: c.10419G>T, p.Met3473Ile (NM_001164507.2, NM_001271208.2); c.9690G>T, p.Met3230Ile (NM_004543.5); short protein forms M3473I, M3230I.
Identifiers: ClinVar variation 957594 (VCV000957594.7), dbSNP rs368842783, ClinGen allele CA348791034.
Genomic context (GRCh38, chr2:151,625,567, plus strand): 5'-CCAAAGAAATAAAACAAATGATCTTACCTCACTATAATTTATTTTATTTTGTCTTGCCAA[C>A]ATGATTTCAGGTGTATCAGGCATAATATGGACTTGGGTCTTGTCTTTGTCCCAGGCTTCT-3'
Protein context (NP_001157980.2, residues 3463-3483): VHIMPDTPEI[Met3473Ile]LARQNKINYS